The following is an entry in ClinVar:

NM_001367721.1(CASK):c.2313_2317del (p.Pro772fs)

Gene: CASK (calcium/calmodulin dependent serine protein kinase; minus strand). Cytogenetic location: Xp11.4.
Variant type: Deletion.
Coding change: c.2313_2317del on transcript NM_001367721.1 (MANE Select); coding-DNA positions 2313 to 2317, 5 bases deleted (TCCAC; older notation c.2313_2317delTCCAC).
Protein change: p.Pro772fs; shifts the reading frame from proline 772.
Molecular consequence: frameshift variant.
Genome position (GRCh38, 1-based): chrX:41,534,706-41,534,710, GTGGA deleted on the plus strand (TCCAC on the coding strand, the reverse complement: CASK is on the minus strand). VCF-style (leftmost placement, unchanged base first): chrX-41534705-CGTGGA-C. GRCh37 (hg19) VCF-style: chrX-41393958-CGTGGA-C.
Other names: c.2229_2233del, p.Pro744fs (NM_001126054.3); c.2226_2230del, p.Pro743fs (NM_001126055.3); c.2295_2299del, p.Pro766fs (NM_001410745.1); c.2298_2302del, p.Pro767fs (NM_003688.4); short protein forms P743fs, P744fs, P766fs, P767fs, P772fs.
Identifiers: ClinVar variation 4755409 (VCV004755409.1).

ClinVar aggregate classification (germline): Likely pathogenic (1 of 4 stars; one submission).

Conditions:
Syndromic X-linked intellectual disability Najm type (MICPCH). Also called: MICPCH SYNDROME; Intellectual developmental disorder and microcephaly with pontine and cerebellar hypoplasia; Intellectual Disability and Microcephaly with Pontine and Cerebellar Hypoplasia; Mental retardation and microcephaly with pontine and cerebellar hypoplasia; MENTAL RETARDATION, X-LINKED, SYNDROMIC, NAJM TYPE; Intellectual Disability and Microcephaly with Pontine and Cerebellar Hypoplasia (MICPCH). Identifiers: Orphanet 163937, MedGen C2677903, MONDO:0010417, OMIM 300749.

Submission:

Ozbek Human Genetics Laboratory, Izmir Biomedicine and Genome Center
Classification: Likely pathogenic for Syndromic X-linked intellectual disability Najm type. Last evaluated: 2025-10-20. Review status: criteria provided, single submitter. Criteria: ACMG Guidelines, 2015. Collection method: research. Allele origin: de novo. Inheritance: X-linked inheritance. Affected: yes. Observed: 1 heterozygote.
Comment: Physical examination revealed short stature, stereotypical hand movements, and dysmorphic features including long palpebral fissures, flat nasal bridge, broad nasal tip, and fleshy ears. Cranial MRI demonstrated hypoplasia of the cerebellar hemispheres and pons, a widened 4th ventricle, and bilateral cerebral atrophy. Whole exome sequencing identified a novel, de novo heterozygous CASK frameshift variant (c.2313_2317del), classified as likely pathogenic (PVS1, PM2), consistent with the MICPCH phenotype. Data obtained via the RAREBOOST project (Horizon 2020 ERA Chairs at Izmir Biomedicine and Genome Center - IBG)